The following is an entry in ClinVar:

NM_183075.3(CYP2U1):c.737G>C (p.Ser246Thr)

Gene: CYP2U1 (cytochrome P450 family 2 subfamily U member 1; plus strand). Cytogenetic location: 4q25.
Variant type: single nucleotide variant.
Coding change: c.737G>C on transcript NM_183075.3 (MANE Select); coding-DNA position 737, G replaced by C.
Protein change: p.Ser246Thr; replaces serine 246 with threonine.
Molecular consequence: missense variant.
Genome position (GRCh38, 1-based): chr4:107,945,216, G>C. VCF-style: chr4-107945216-G-C. GRCh37 (hg19) VCF-style: chr4-108866372-G-C.
Other names: c.737G>C (NM_183075.2); short protein forms S246T.
Identifiers: ClinVar variation 2859793 (VCV002859793.5), dbSNP rs748913829, ClinGen allele CA3037052.

ClinVar aggregate classification (germline): Benign. Review status: criteria provided, single submitter (1 of 4 stars). 2 submissions from 2 submitters: Benign (1). 1 of the submissions does not count toward it. Last evaluated 2025-12-13.

Conditions:
CYP2U1-related disorder. Also called: CYP2U1-related condition.
Spastic paraplegia. Identifiers: MedGen C0037772, HP:0001258.

Allele frequency attached by ClinVar (database versions not stated): TOPMed 0.00003; gnomAD 0.00009; ExAC 0.00034.

Submissions (2):

Labcorp Genetics (formerly Invitae), Labcorp
Classification: Benign for Spastic paraplegia. Last evaluated: 2025-12-13. Review status: criteria provided, single submitter. Criteria: Invitae Variant Classification Sherloc (09022015). Collection method: clinical testing. Allele origin: germline.

PreventionGenetics, part of Exact Sciences
Classification: Likely benign for CYP2U1-related condition. Last evaluated: 2022-09-13. Review status: no assertion criteria provided. Collection method: clinical testing. Allele origin: germline. Not counted in ClinVar's aggregate classification.
Comment: This variant is classified as likely benign based on ACMG/AMP sequence variant interpretation guidelines (Richards et al. 2015 PMID: 25741868, with internal and published modifications).